The following is an entry in ClinVar:

ClinVar aggregate classification (germline): Uncertain significance (1 of 4 stars; one submission).

Submission:

Labcorp Genetics (formerly Invitae), Labcorp
Classification: Uncertain significance. Last evaluated: 2022-11-15. Review status: criteria provided, single submitter. Criteria: Invitae Variant Classification Sherloc (09022015). Collection method: clinical testing. Allele origin: germline.
Comment: Advanced modeling of protein sequence and biophysical properties (such as structural, functional, and spatial information, amino acid conservation, physicochemical variation, residue mobility, and thermodynamic stability) performed at Invitae indicates that this missense variant is expected to disrupt GHR protein function. This variant has not been reported in the literature in individuals affected with GHR-related conditions. This variant is not present in population databases (gnomAD no frequency). This sequence change replaces leucine, which is neutral and non-polar, with phenylalanine, which is neutral and non-polar, at codon 247 of the GHR protein (p.Leu247Phe). In summary, the available evidence is currently insufficient to determine the role of this variant in disease. Therefore, it has been classified as a Variant of Uncertain Significance.

NM_000163.5(GHR):c.739C>T (p.Leu247Phe)

Gene: GHR (growth hormone receptor; plus strand). Cytogenetic location: 5p12.
Variant type: single nucleotide variant.
Coding change: c.739C>T on transcript NM_000163.5 (MANE Select); coding-DNA position 739, C replaced by T.
Protein change: p.Leu247Phe; replaces leucine 247 with phenylalanine.
Molecular consequence: missense variant.
Genome position (GRCh38, 1-based): chr5:42,711,327, C>T. VCF-style: chr5-42711327-C-T. GRCh37 (hg19) VCF-style: chr5-42711429-C-T.
Other names: c.760C>T, p.Leu254Phe (NM_001242399.2); c.739C>T, p.Leu247Phe (NM_001242400.2, NM_001242401.4, NM_001242402.2 and 5 more transcripts); c.673C>T, p.Leu225Phe (NM_001242460.2); short protein forms L247F, L225F, L254F.
Identifiers: ClinVar variation 1925031 (VCV001925031.5), dbSNP rs2530742437, ClinGen allele CA359696042.
Genomic context (GRCh38, chr5:42,711,327, plus strand): 5'-GAAGTGCGTGTGAGATCCAAACAACGAAACTCTGGAAATTATGGCGAGTTCAGTGAGGTG[C>T]TCTATGTAACACTTCCTCAGATGAGCCAATTTACATGTGAAGAAGGTAAAAGAAATAAAA-3'
Protein context (NP_000154.1, residues 237-257): SGNYGEFSEV[Leu247Phe]YVTLPQMSQF